The following is an entry in ClinVar:

NM_003380.5(VIM):c.123C>A (p.Gly41=)

Genes: VIM (vimentin; plus strand), VIM-AS1 (VIM antisense RNA 1; minus strand). Cytogenetic location: 10p13.
Variant type: single nucleotide variant.
Coding change: c.123C>A on transcript NM_003380.5 (MANE Select); coding-DNA position 123, C replaced by A.
Protein change: p.Gly41=; no amino-acid change (glycine 41 retained).
Molecular consequence: synonymous variant. On other transcripts: non-coding transcript variant (1).
Genome position (GRCh38, 1-based): chr10:17,229,545, C>A. VCF-style: chr10-17229545-C-A. GRCh37 (hg19) VCF-style: chr10-17271544-C-A.
Identifiers: ClinVar variation 4987069 (VCV004987069.1).

ClinVar aggregate classification (germline): Likely benign (1 of 4 stars; one submission).

Conditions:
VIM-related disorder. Also called: VIM-related condition.

gnomAD v4.1: 12 of 1,607,858 alleles (0.00075%); highest among the groups gnomAD compares: Non-Finnish European, 0.001%; no homozygotes.

Submission:

PreventionGenetics, part of Exact Sciences
Classification: Likely benign for VIM-related condition. Last evaluated: 2026-02-02. Review status: criteria provided, single submitter. Criteria: ACMG Guidelines, 2015. Collection method: clinical testing. Allele origin: germline.
Comment: This variant is classified as likely benign based on ACMG/AMP sequence variant interpretation guidelines (Richards et al. 2015 PMID: 25741868, with internal and published modifications).